The following is an entry in ClinVar:

ClinVar aggregate classification (germline): Uncertain significance (1 of 4 stars; one submission).

Submission:

GeneDx
Classification: Uncertain significance. Last evaluated: 2024-11-05. Review status: criteria provided, single submitter. Criteria: GeneDx Variant Classification Process June 2021. Collection method: clinical testing. Allele origin: germline. Affected: yes.
Comment: Not observed at significant frequency in large population cohorts (gnomAD); In silico analysis supports that this missense variant has a deleterious effect on protein structure/function; Has not been previously published as pathogenic or benign to our knowledge

NM_001348323.3(TRIP12):c.4123A>G (p.Arg1375Gly)

Gene: TRIP12 (thyroid hormone receptor interactor 12; minus strand). Cytogenetic location: 2q36.3.
Variant type: single nucleotide variant.
Coding change: c.4123A>G on transcript NM_001348323.3 (MANE Select); coding-DNA position 4123, A replaced by G.
Protein change: p.Arg1375Gly; replaces arginine 1375 with glycine.
Molecular consequence: missense variant.
Genome position (GRCh38, 1-based): chr2:229,792,991, T>C on the plus strand (A>G on the coding strand, the complement: TRIP12 is on the minus strand). VCF-style: chr2-229792991-T-C. GRCh37 (hg19) VCF-style: chr2-230657707-T-C.
Other names: c.4042A>G, p.Arg1348Gly (NM_001284214.2, NM_001348315.2); c.3997A>G, p.Arg1333Gly (NM_001284215.2, NM_001348316.2); c.3088A>G, p.Arg1030Gly (NM_001284216.2); c.3982A>G, p.Arg1328Gly (NM_001348317.1, NM_001348318.2); c.4108A>G, p.Arg1370Gly (NM_001348319.1, NM_001348320.2); c.4111A>G, p.Arg1371Gly (NM_001348321.1); c.4123A>G, p.Arg1375Gly (NM_001348322.1, NM_001348324.2, NM_001348325.2 and 2 more transcripts); c.4126A>G, p.Arg1376Gly (NM_001348328.1, NM_001348329.2, NM_001348330.2); and 4 more; short protein forms R1030G, R1300G, R1301G, R1328G, R1333G, R1341G, R1348G, R1349G.
Identifiers: ClinVar variation 3373499 (VCV003373499.1).